The following is an entry in ClinVar:

NM_000171.4(GLRA1):c.318C>A (p.Tyr106Ter)

Gene: GLRA1 (glycine receptor alpha 1; minus strand). Cytogenetic location: 5q33.1.
Variant type: single nucleotide variant.
Coding change: c.318C>A on transcript NM_000171.4 (MANE Select); coding-DNA position 318, C replaced by A.
Protein change: p.Tyr106Ter; replaces tyrosine 106 with a stop codon.
Molecular consequence: nonsense.
Genome position (GRCh38, 1-based): chr5:151,859,943, G>T on the plus strand (C>A on the coding strand, the complement: GLRA1 is on the minus strand). VCF-style: chr5-151859943-G-T. GRCh37 (hg19) VCF-style: chr5-151239504-G-T.
Other names: c.318C>A, p.Tyr106Ter (NM_001146040.2); c.69C>A, p.Tyr23Ter (NM_001292000.2); short protein forms Y23*, Y106*.
Identifiers: ClinVar variation 4759177 (VCV004759177.1).

ClinVar aggregate classification (germline): Pathogenic (1 of 4 stars; one submission).

Conditions:
Hereditary hyperekplexia. Identifiers: Orphanet 3197, MedGen C4084968, MONDO:0021022.

gnomAD v4.1: 2 of 1,614,072 alleles (0.00012%); highest among the groups gnomAD compares: South Asian, 0.0022%; 1 homozygote.

Submission:

Labcorp Genetics (formerly Invitae), Labcorp
Classification: Pathogenic for Hereditary hyperekplexia. Last evaluated: 2025-07-07. Review status: criteria provided, single submitter. Criteria: Invitae Variant Classification Sherloc (09022015). Collection method: clinical testing. Allele origin: germline.
Comment: This sequence change creates a premature translational stop signal (p.Tyr106*) in the GLRA1 gene. It is expected to result in an absent or disrupted protein product. Loss-of-function variants in GLRA1 are known to be pathogenic (PMID: 20631190, 24108130). This variant is not present in population databases (gnomAD no frequency). This variant has not been reported in the literature in individuals affected with GLRA1-related conditions. For these reasons, this variant has been classified as Pathogenic.

Literature cited by the submitters: PubMed 20631190; PubMed 24108130.